The following is an entry in ClinVar:

NM_001458.5(FLNC):c.4291A>G (p.Ser1431Gly)

Gene: FLNC (filamin C; plus strand). Cytogenetic location: 7q32.1.
Variant type: single nucleotide variant.
Coding change: c.4291A>G on transcript NM_001458.5 (MANE Select); coding-DNA position 4291, A replaced by G.
Protein change: p.Ser1431Gly; replaces serine 1431 with glycine.
Molecular consequence: missense variant.
Genome position (GRCh38, 1-based): chr7:128,847,699, A>G. VCF-style: chr7-128847699-A-G. GRCh37 (hg19) VCF-style: chr7-128487753-A-G.
Other names: c.4291A>G, p.Ser1431Gly (NM_001127487.2); short protein forms S1431G.
Identifiers: ClinVar variation 4812755 (VCV004812755.1).

ClinVar aggregate classification (germline): Uncertain significance (1 of 4 stars; one submission).

Conditions:
Hypertrophic cardiomyopathy 26. Also called: Cardiomyopathy, familial hypertrophic, 26. Identifiers: Orphanet 75249, MedGen C4310749, MONDO:0014883, OMIM 617047.
Myofibrillar myopathy 5. Also called: Filaminopathy (type); FILAMINOPATHY, AUTOSOMAL DOMINANT. Identifiers: Orphanet 171445, MedGen C1836050, MONDO:0012289, OMIM 609524.
Distal myopathy with posterior leg and anterior hand involvement. Also called: WILLIAMS DISTAL MYOPATHY. Identifiers: Orphanet 63273, MedGen C3279722, MONDO:0013550, OMIM 614065.

Submission:

Labcorp Genetics (formerly Invitae), Labcorp
Classification: Uncertain significance for Distal myopathy with posterior leg and anterior hand involvement; Myofibrillar myopathy 5; Hypertrophic cardiomyopathy 26. Last evaluated: 2025-11-12. Review status: criteria provided, single submitter. Criteria: Invitae Variant Classification Sherloc (09022015). Collection method: clinical testing. Allele origin: germline.
Comment: This sequence change replaces serine, which is neutral and polar, with glycine, which is neutral and non-polar, at codon 1431 of the FLNC protein (p.Ser1431Gly). This variant is not present in population databases (gnomAD no frequency). This variant has not been reported in the literature in individuals affected with FLNC-related conditions. An algorithm developed to predict the effect of missense changes on protein structure and function (PolyPhen-2) suggests that this variant is likely to be disruptive. In summary, the available evidence is currently insufficient to determine the role of this variant in disease. Therefore, it has been classified as a Variant of Uncertain Significance.